The following is an entry in ClinVar:

NM_021629.4(GNB4):c.574T>G (p.Leu192Val)

Gene: GNB4 (G protein subunit beta 4; minus strand). Cytogenetic location: 3q26.33.
Variant type: single nucleotide variant.
Coding change: c.574T>G on transcript NM_021629.4 (MANE Select); coding-DNA position 574, T replaced by G.
Protein change: p.Leu192Val; replaces leucine 192 with valine.
Molecular consequence: missense variant.
Genome position (GRCh38, 1-based): chr3:179,413,537, A>C on the plus strand (T>G on the coding strand, the complement: GNB4 is on the minus strand). VCF-style: chr3-179413537-A-C. GRCh37 (hg19) VCF-style: chr3-179131325-A-C.
Other names: short protein forms L192V.
Identifiers: ClinVar variation 640798 (VCV000640798.11), dbSNP rs556759178, ClinGen allele CA2712462.

ClinVar aggregate classification (germline): Conflicting classifications of pathogenicity. Review status: criteria provided, conflicting classifications (1 of 4 stars). 3 submissions from 3 submitters: Uncertain significance (1); Likely benign (2). Last evaluated 2026-01-13.

Conditions:
Charcot-Marie-Tooth disease dominant intermediate F. Identifiers: Orphanet 352670, MedGen C4749463, MONDO:0014074, OMIM 615185.
GNB4-related disorder. Also called: GNB4-related condition.
Inborn genetic diseases. Identifiers: MedGen C0950123, MeSH D030342.

Allele frequency attached by ClinVar (database versions not stated): ExAC 0.00003; gnomAD 0.00004; TOPMed 0.00004.
gnomAD v4.1: 100 of 1,613,984 alleles (0.0062%); highest among the groups gnomAD compares: Non-Finnish European, 0.0081%; no homozygotes.

Submissions (3):

Labcorp Genetics (formerly Invitae), Labcorp
Classification: Likely benign for Charcot-Marie-Tooth disease dominant intermediate F. Last evaluated: 2026-01-13. Review status: criteria provided, single submitter. Criteria: Invitae Variant Classification Sherloc (09022015). Collection method: clinical testing. Allele origin: germline.

PreventionGenetics, part of Exact Sciences
Classification: Uncertain significance for GNB4-related condition. Last evaluated: 2025-08-14. Review status: criteria provided, single submitter. Criteria: ACMG Guidelines, 2015. Collection method: clinical testing. Allele origin: germline.
Comment: The GNB4 c.574T>G variant is predicted to result in the amino acid substitution p.Leu192Val. To our knowledge, this variant has not been reported in the literature. This variant is reported in 0.011% of alleles in individuals of European (non-Finnish) descent in gnomAD. Although we suspect that this variant may be benign, at this time, the clinical significance of this variant is uncertain due to the absence of conclusive functional and genetic evidence.

Ambry Genetics
Classification: Likely benign for Inborn genetic diseases. Last evaluated: 2019-09-20. Review status: criteria provided, single submitter. Criteria: Ambry Variant Classification Scheme 2023. Collection method: clinical testing. Allele origin: germline.